The following is an entry in ClinVar:

ClinVar aggregate classification (germline): Uncertain significance (1 of 4 stars; one submission).

Conditions:
Primary ciliary dyskinesia. Also called: Ciliary dyskinesia. Identifiers: Orphanet 244, MedGen C0008780, MONDO:0016575, HP:0012265.

Allele frequency attached by ClinVar (database versions not stated): gnomAD exomes below 0.00001; ExAC 0.00002; gnomAD 0.00002; TOPMed 0.00002.
gnomAD v4.1: 8 of 1,613,760 alleles (0.0005%); highest among the groups gnomAD compares: Admixed American, 0.0083%; no homozygotes.

Submission:

Labcorp Genetics (formerly Invitae), Labcorp
Classification: Uncertain significance for Primary ciliary dyskinesia. Last evaluated: 2021-12-24. Review status: criteria provided, single submitter. Criteria: Invitae Variant Classification Sherloc (09022015). Collection method: clinical testing. Allele origin: germline.
Comment: This sequence change replaces alanine, which is neutral and non-polar, with serine, which is neutral and polar, at codon 999 of the DNAH5 protein (p.Ala999Ser). This variant is present in population databases (rs763972246, gnomAD 0.009%). This variant has not been reported in the literature in individuals affected with DNAH5-related conditions. Advanced modeling of protein sequence and biophysical properties (such as structural, functional, and spatial information, amino acid conservation, physicochemical variation, residue mobility, and thermodynamic stability) performed at Invitae indicates that this missense variant is not expected to disrupt DNAH5 protein function. In summary, the available evidence is currently insufficient to determine the role of this variant in disease. Therefore, it has been classified as a Variant of Uncertain Significance.

NM_001369.3(DNAH5):c.2995G>T (p.Ala999Ser)

Genes: DNAH5 (dynein axonemal heavy chain 5; minus strand), DNAH5-AS1 (DNAH5 antisense RNA 1; plus strand). Cytogenetic location: 5p15.2.
Variant type: single nucleotide variant.
Coding change: c.2995G>T on transcript NM_001369.3 (MANE Select); coding-DNA position 2995, G replaced by T.
Protein change: p.Ala999Ser; replaces alanine 999 with serine.
Molecular consequence: missense variant.
Genome position (GRCh38, 1-based): chr5:13,883,083, C>A on the plus strand (G>T on the coding strand, the complement: DNAH5 is on the minus strand). VCF-style: chr5-13883083-C-A. GRCh37 (hg19) VCF-style: chr5-13883192-C-A.
Other names: short protein forms A999S.
Identifiers: ClinVar variation 1990124 (VCV001990124.1), dbSNP rs763972246, ClinGen allele CA3204421.